The following is an entry in ClinVar:

NM_004698.4(PRPF3):c.1891G>A (p.Val631Ile)

Gene: PRPF3 (pre-mRNA processing factor 3; plus strand). Cytogenetic location: 1q21.2.
Variant type: single nucleotide variant.
Coding change: c.1891G>A on transcript NM_004698.4 (MANE Select); coding-DNA position 1891, G replaced by A.
Protein change: p.Val631Ile; replaces valine 631 with isoleucine.
Molecular consequence: missense variant. On other transcripts: non-coding transcript variant (4).
Genome position (GRCh38, 1-based): chr1:150,349,204, G>A. VCF-style: chr1-150349204-G-A. GRCh37 (hg19) VCF-style: chr1-150321680-G-A.
Other names: c.1486G>A, p.Val496Ile (NM_001350529.1); short protein forms V496I, V631I.
Identifiers: ClinVar variation 1375495 (VCV001375495.6), dbSNP rs782042725, ClinGen allele CA1075730.

ClinVar aggregate classification (germline): Uncertain significance (1 of 4 stars; one submission).

Allele frequency attached by ClinVar (database versions not stated): gnomAD 0.00001; gnomAD exomes 0.00001 and 0.00008; TOPMed 0.00005; ExAC 0.00007.
gnomAD v4.1: 23 of 1,613,446 alleles (0.0014%); highest among the groups gnomAD compares: Admixed American, 0.037%; no homozygotes.

Submission:

Labcorp Genetics (formerly Invitae), Labcorp
Classification: Uncertain significance. Last evaluated: 2023-11-27. Review status: criteria provided, single submitter. Criteria: Invitae Variant Classification Sherloc (09022015). Collection method: clinical testing. Allele origin: germline.
Comment: This sequence change replaces valine, which is neutral and non-polar, with isoleucine, which is neutral and non-polar, at codon 631 of the PRPF3 protein (p.Val631Ile). This variant is present in population databases (rs782042725, gnomAD 0.06%), and has an allele count higher than expected for a pathogenic variant. This variant has not been reported in the literature in individuals affected with PRPF3-related conditions. ClinVar contains an entry for this variant (Variation ID: 1375495). Advanced modeling of protein sequence and biophysical properties (such as structural, functional, and spatial information, amino acid conservation, physicochemical variation, residue mobility, and thermodynamic stability) performed at Invitae indicates that this missense variant is not expected to disrupt PRPF3 protein function with a negative predictive value of 80%. In summary, the available evidence is currently insufficient to determine the role of this variant in disease. Therefore, it has been classified as a Variant of Uncertain Significance.